The following is an entry in ClinVar:

NM_006231.4(POLE):c.307dup (p.Tyr103fs)

Gene: POLE (DNA polymerase epsilon, catalytic subunit; minus strand). Cytogenetic location: 12q24.33.
Variant type: Duplication.
Coding change: c.307dup on transcript NM_006231.4 (MANE Select); coding-DNA position 307, one base duplicated (T; older notation c.307dupT).
Protein change: p.Tyr103fs; shifts the reading frame from tyrosine 103.
Molecular consequence: frameshift variant.
Genome position (GRCh38, 1-based): chr12:132,680,201, A duplicated on the plus strand (T on the coding strand, the reverse complement: POLE is on the minus strand). VCF-style (leftmost placement, unchanged base first): chr12-132680200-T-TA. GRCh37 (hg19) VCF-style: chr12-133256786-T-TA.
Other names: short protein forms Y103fs.
Identifiers: ClinVar variation 1521066 (VCV001521066.6), dbSNP rs2136029683, ClinGen allele CA2573148275.

ClinVar aggregate classification (germline): Pathogenic (1 of 4 stars; one submission).

Submission:

Labcorp Genetics (formerly Invitae), Labcorp
Classification: Pathogenic. Last evaluated: 2025-04-07. Review status: criteria provided, single submitter. Criteria: Invitae Variant Classification Sherloc (09022015). Collection method: clinical testing. Allele origin: germline.
Comment: This sequence change creates a premature translational stop signal (p.Tyr103Leufs*11) in the POLE gene. It is expected to result in an absent or disrupted protein product. Loss-of-function variants in POLE are known to be pathogenic (PMID: 23230001, 25948378, 30503519). This variant is not present in population databases (gnomAD no frequency). This variant has not been reported in the literature in individuals affected with POLE-related conditions. ClinVar contains an entry for this variant (Variation ID: 1521066). For these reasons, this variant has been classified as Pathogenic.

Literature cited by the submitters: PubMed 23230001; PubMed 25948378; PubMed 30503519.